The following is an entry in ClinVar:

ClinVar aggregate classification (germline): Conflicting classifications of pathogenicity. Review status: criteria provided, conflicting classifications (1 of 4 stars). 2 submissions from 2 submitters: Likely pathogenic (1); Uncertain significance (1). Last evaluated 2021-12-23.

Conditions:
Hypertrophic cardiomyopathy. Also called: HYPERTROPHIC MYOCARDIOPATHY. Identifiers: Orphanet 217569, MedGen C0007194, MeSH D002312, MONDO:0005045, HP:0001639.

Submissions (2):

Labcorp Genetics (formerly Invitae), Labcorp
Classification: Uncertain significance for Hypertrophic cardiomyopathy. Last evaluated: 2021-12-23. Review status: criteria provided, single submitter. Criteria: Invitae Variant Classification Sherloc (09022015). Collection method: clinical testing. Allele origin: germline.
Comment: This sequence change replaces serine, which is neutral and polar, with cysteine, which is neutral and slightly polar, at codon 738 of the MYH7 protein (p.Ser738Cys). This variant is not present in population databases (gnomAD no frequency). This variant has not been reported in the literature in individuals affected with MYH7-related conditions. ClinVar contains an entry for this variant (Variation ID: 423978). Algorithms developed to predict the effect of missense changes on protein structure and function (SIFT, PolyPhen-2, Align-GVGD) all suggest that this variant is likely to be disruptive. This variant is found within a region of MYH7 between codons 181 and 937 that contains the majority of the myosin head domain. Missense variants in this region have been shown to be significantly overrepresented in individuals with hypertrophic cardiomyopathy (PMID: 27532257). In summary, the available evidence is currently insufficient to determine the role of this variant in disease. Therefore, it has been classified as a Variant of Uncertain Significance.

GeneDx
Classification: Likely pathogenic. Last evaluated: 2017-03-02. Review status: criteria provided, single submitter. Criteria: GeneDx Variant Classification (06012015). Collection method: clinical testing. Allele origin: germline. Affected: yes.
Comment: A S738C variant that is likely pathogenic was identified in the MYH7 gene. It has not been published as pathogenic or been reported as benign to our knowledge. Additionally, the S738C variant is not observed in large population cohorts (Lek et al., 2016; 1000 Genomes Consortium et al., 2015; Exome Variant Server). The S738C variant is a non-conservative amino acid substitution, which is likely to impact secondary protein structure as these residues differ in polarity, charge, size and/or other properties. This substitution occurs at a position that is conserved across species and in silico analysis predicts this variant is probably damaging to the protein structure/function. Furthermore, likely pathogenic variants at the same residue (S738R, S738T), and pathogenic/likely pathogenic missense variants in nearby residues (I736L, I736V, I736T, I736M, G741R, G741W, G741E) have been reported at GeneDx and/or reported in the Human Gene Mutation Database in association with HCM (Stenson et al., 2014), supporting the functional importance of this residue and region of the protein.

Literature cited by the submitters: PubMed 27532257 (cited by Labcorp Genetics (formerly Invitae), Labcorp).

NM_000257.4(MYH7):c.2212A>T (p.Ser738Cys)

Gene: MYH7 (myosin heavy chain 7; minus strand). Cytogenetic location: 14q11.2.
Variant type: single nucleotide variant.
Coding change: c.2212A>T on transcript NM_000257.4 (MANE Select); coding-DNA position 2212, A replaced by T.
Protein change: p.Ser738Cys; replaces serine 738 with cysteine.
Molecular consequence: missense variant.
Genome position (GRCh38, 1-based): chr14:23,425,769, T>A on the plus strand (A>T on the coding strand, the complement: MYH7 is on the minus strand). VCF-style: chr14-23425769-T-A. GRCh37 (hg19) VCF-style: chr14-23894978-T-A.
Other names: c.2212A>T (LRG_384t1); short protein forms S738C.
Identifiers: ClinVar variation 423978 (VCV000423978.6), dbSNP rs1064796729, ClinGen allele CA16619851.